The following is an entry in ClinVar:

ClinVar aggregate classification (germline): VUS-high (0 of 4 stars; one submission).

Conditions:
Autosomal recessive nonsyndromic hearing loss 9. Also called: NEUROSENSORY NONSYNDROMIC RECESSIVE DEAFNESS 9; OTOF-Related Hearing Loss; Deafness, autosomal recessive 9; AUDITORY NEUROPATHY, AUTOSOMAL RECESSIVE, 1, TEMPERATURE-SENSITIVE. Identifiers: Orphanet 90636, MedGen C1832828, MONDO:0010986, OMIM 601071.

Submission:

Diagnosis and Treatment Center of Genetic Hearing Loss, Eye & ENT Hospital of Fudan University
Classification: VUS-high for Autosomal recessive nonsyndromic hearing loss 9. Last evaluated: 2026-02-04. Review status: no assertion criteria provided. Collection method: clinical testing. Allele origin: germline. Inheritance: Autosomal recessive inheritance. Affected: yes.
Comment: The c.4546T>G missense variant in OTOF is absent from population databases (PM2_Supporting). The REVEL score is 0.898 (PP3_Moderate). It was identified in trans with pathogenic c.5566C>T (PM3).

NM_194248.3(OTOF):c.4546T>G (p.Tyr1516Asp)

Gene: OTOF (otoferlin; minus strand). Cytogenetic location: 2p23.3.
Variant type: single nucleotide variant.
Coding change: c.4546T>G on transcript NM_194248.3 (MANE Select); coding-DNA position 4546, T replaced by G.
Protein change: p.Tyr1516Asp; replaces tyrosine 1516 with aspartic acid.
Molecular consequence: missense variant.
Genome position (GRCh38, 1-based): chr2:26,466,031, A>C on the plus strand (T>G on the coding strand, the complement: OTOF is on the minus strand). VCF-style: chr2-26466031-A-C. GRCh37 (hg19) VCF-style: chr2-26688899-A-C.
Other names: c.4546T>G, p.Tyr1516Asp (NM_001287489.2); c.2245T>G, p.Tyr749Asp (NM_004802.4, NM_194323.3); c.2476T>G, p.Tyr826Asp (NM_194322.3); short protein forms Y1516D, Y749D, Y826D.
Identifiers: ClinVar variation 4879933 (VCV004879933.1).